The following is an entry in ClinVar:

NM_000059.4(BRCA2):c.6118A>T (p.Ile2040Leu)

Gene: BRCA2 (BRCA2 DNA repair associated; plus strand). Cytogenetic location: 13q13.1.
Variant type: single nucleotide variant.
Coding change: c.6118A>T on transcript NM_000059.4 (MANE Select); coding-DNA position 6118, A replaced by T.
Protein change: p.Ile2040Leu; replaces isoleucine 2040 with leucine.
Molecular consequence: missense variant.
Genome position (GRCh38, 1-based): chr13:32,340,473, A>T. VCF-style: chr13-32340473-A-T. GRCh37 (hg19) VCF-style: chr13-32914610-A-T.
Other names: short protein forms I2040L.
Identifiers: ClinVar variation 52016 (VCV000052016.19), dbSNP rs80358850, ClinGen allele CA023672.

ClinVar aggregate classification (germline): Conflicting classifications of pathogenicity. Review status: criteria provided, conflicting classifications (1 of 4 stars). 6 submissions from 6 submitters: Uncertain significance (3); Likely benign (2). 1 of the submissions does not count toward it. Last evaluated 2026-03-06.

Conditions:
Hereditary cancer-predisposing syndrome. Also called: Hereditary Cancer Syndrome; Hereditary neoplastic syndrome; Neoplastic Syndromes, Hereditary; Tumor predisposition. Identifiers: Orphanet 140162, MedGen C0027672, MeSH D009386, MONDO:0015356.
Hereditary breast ovarian cancer syndrome. Also called: Hereditary breast and ovarian cancer syndrome (HBOC); Hereditary breast and ovarian cancer syndrome; Hereditary breast and/or ovarian cancer syndrome; Breast and ovarian cancer; BRCA1- and BRCA2-Associated Hereditary Breast and Ovarian Cancer; Hereditary breast and ovarian cancer. Identifiers: Orphanet 145, MedGen C0677776, MeSH D061325, MONDO:0003582. Disease mechanism: loss of function.
Breast-ovarian cancer, familial, susceptibility to, 2 (BROVCA2). Also called: BRCA2 Hereditary Breast and Ovarian Cancer. Identifiers: Orphanet 145, MedGen C2675520, MONDO:0012933, OMIM 612555. Disease mechanism: loss of function.

Allele frequency attached by ClinVar (database versions not stated): ESP Exome Variant Server 0.00008.

Submissions (6):

Ambry Genetics
Classification: Likely benign for Hereditary cancer-predisposing syndrome. Last evaluated: 2026-03-06. Review status: criteria provided, single submitter. Criteria: Ambry Variant Classification Scheme 2023. Collection method: clinical testing. Allele origin: germline.

Labcorp Genetics (formerly Invitae), Labcorp
Classification: Uncertain significance for Hereditary breast ovarian cancer syndrome. Last evaluated: 2026-01-13. Review status: criteria provided, single submitter. Criteria: Invitae Variant Classification Sherloc (09022015). Collection method: clinical testing. Allele origin: germline.
Comment: This sequence change replaces isoleucine, which is neutral and non-polar, with leucine, which is neutral and non-polar, at codon 2040 of the BRCA2 protein (p.Ile2040Leu). This variant is not present in population databases (gnomAD no frequency). This variant has not been reported in the literature in individuals affected with BRCA2-related conditions. ClinVar contains an entry for this variant (Variation ID: 52016). Invitae Evidence Modeling of protein sequence and biophysical properties (such as structural, functional, and spatial information, amino acid conservation, physicochemical variation, residue mobility, and thermodynamic stability) indicates that this missense variant is not expected to disrupt BRCA2 protein function with a negative predictive value of 95%. In summary, the available evidence is currently insufficient to determine the role of this variant in disease. Therefore, it has been classified as a Variant of Uncertain Significance.

University of Washington Department of Laboratory Medicine, University of Washington
Classification: Likely benign for Hereditary cancer-predisposing syndrome. Last evaluated: 2023-03-23. Review status: criteria provided, single submitter. Criteria: Dines et al. (Genet Med. 2020). Collection method: curation. Allele origin: germline.
Comment: Missense variant in a coldspot region where missense variants are very unlikely to be pathogenic (PMID:31911673).

BRCA2 exon 11 coldspot. Reclassification based on statistical prior probability.

GeneDx
Classification: Uncertain significance. Last evaluated: 2023-01-25. Review status: criteria provided, single submitter. Criteria: GeneDx Variant Classification Process June 2021. Collection method: clinical testing. Allele origin: germline. Affected: yes.
Comment: Observed in individuals undergoing multigene panel testing based on personal and family history of cancer (Li et al., 2020); In silico analysis supports that this missense variant does not alter protein structure/function; Not observed at significant frequency in large population cohorts (gnomAD); Also known as 6346A>T; This variant is associated with the following publications: (PMID: 31911673, 32377563, 31853058, 29884841)

Color Diagnostics, LLC DBA Color Health
Classification: Uncertain significance for Hereditary cancer-predisposing syndrome. Last evaluated: 2021-10-26. Review status: criteria provided, single submitter. Criteria: ACMG Guidelines, 2015. Collection method: clinical testing. Allele origin: germline.
Comment: This missense variant replaces isoleucine with leucine at codon 2040 of the BRCA2 protein. Computational prediction suggests that this variant may not impact protein structure and function (internally defined REVEL score threshold <= 0.5, PMID: 27666373). To our knowledge, functional studies have not been reported for this variant. This variant has not been reported in individuals affected with hereditary cancer in the literature. This variant has not been identified in the general population by the Genome Aggregation Database (gnomAD). The available evidence is insufficient to determine the role of this variant in disease conclusively. Therefore, this variant is classified as a Variant of Uncertain Significance.

Breast Cancer Information Core (BIC) (BRCA2)
Classification: Uncertain significance for Breast-ovarian cancer, familial 2. Last evaluated: 2003-12-23. Review status: no assertion criteria provided. Collection method: clinical testing. Allele origin: germline. Affected: yes. Observed: 1 variant allele. Not counted in ClinVar's aggregate classification.